The following is an entry in ClinVar:

NM_015100.4(POGZ):c.1078+2T>C

Gene: POGZ (pogo transposable element derived with ZNF domain; minus strand). Cytogenetic location: 1q21.3.
Variant type: single nucleotide variant.
Coding change: c.1078+2T>C on transcript NM_015100.4 (MANE Select); the canonical splice donor site of the intron after coding-DNA position 1078, T replaced by C.
Molecular consequence: splice donor variant.
Genome position (GRCh38, 1-based): chr1:151,427,821, A>G on the plus strand (T>C on the coding strand, the complement: POGZ is on the minus strand). VCF-style: chr1-151427821-A-G. GRCh37 (hg19) VCF-style: chr1-151400297-A-G.
Other names: c.892+2T>C (NM_001194938.2); c.793+2T>C (NM_145796.4); c.1051+2T>C (NM_001194937.2); c.1099+2T>C (NM_001410860.1); c.919+2T>C (NM_207171.2).
Identifiers: ClinVar variation 2580211 (VCV002580211.1), dbSNP rs2529496106, ClinGen allele CA341975452.

ClinVar aggregate classification (germline): Uncertain significance (1 of 4 stars; one submission).

Conditions:
Intellectual disability-microcephaly-strabismus-behavioral abnormalities syndrome. Also called: White-Sutton Syndrome. Identifiers: Orphanet 468678, MedGen C4225351, MONDO:0014606, OMIM 616364.

Submission:

Illumina Laboratory Services, Illumina
Classification: Uncertain significance for Intellectual disability-microcephaly-strabismus-behavioral abnormalities syndrome. Last evaluated: 2023-05-22. Review status: criteria provided, single submitter. Criteria: ICSLVariantClassificationCriteria RUGD 01 April 2020. Collection method: clinical testing. Allele origin: unknown.
Comment: The POGZ c.1078+2T>C variant results in a substitution at the consensus splice donor site which may result in splicing defects. To our knowledge, this variant has not been reported in the peer-reviewed literature. This variant is not observed in version 2.1.1 or version 3.1.2 of the Genome Aggregation Database. Based on the available evidence, the c.1078+2T>C variant is classified as a variant of uncertain significance for White-Sutton syndrome.